The following is an entry in ClinVar:

NM_001430.5(EPAS1):c.817C>G (p.Leu273Val)

Gene: EPAS1 (endothelial PAS domain protein 1; plus strand). Cytogenetic location: 2p21.
Variant type: single nucleotide variant.
Coding change: c.817C>G on transcript NM_001430.5 (MANE Select); coding-DNA position 817, C replaced by G.
Protein change: p.Leu273Val; replaces leucine 273 with valine.
Molecular consequence: missense variant.
Genome position (GRCh38, 1-based): chr2:46,369,864, C>G. VCF-style: chr2-46369864-C-G. GRCh37 (hg19) VCF-style: chr2-46597003-C-G.
Other names: short protein forms L273V.
Identifiers: ClinVar variation 2626638 (VCV002626638.2), dbSNP rs772856960, ClinGen allele CA346701670.

ClinVar aggregate classification (germline): Uncertain significance (1 of 4 stars; one submission).

Conditions:
Inborn genetic diseases. Identifiers: MedGen C0950123, MeSH D030342.

Submission:

Ambry Genetics
Classification: Uncertain significance for Inborn genetic diseases. Last evaluated: 2023-06-25. Review status: criteria provided, single submitter. Criteria: Ambry Variant Classification Scheme 2023. Collection method: clinical testing. Allele origin: germline.
Comment: The p.L273V variant (also known as c.817C>G), located in coding exon 7 of the EPAS1 gene, results from a C to G substitution at nucleotide position 817. The leucine at codon 273 is replaced by valine, an amino acid with highly similar properties. This amino acid position is conserved. In addition, this alteration is predicted to be tolerated by in silico analysis. Since supporting evidence is limited at this time, the clinical significance of this alteration remains unclear.